The following is an entry in ClinVar:

ClinVar aggregate classification (germline): Benign/Likely benign. Review status: criteria provided, multiple submitters, no conflicts (2 of 4 stars). 6 submissions from 6 submitters: Benign (1); Likely benign (4). 1 of the submissions does not count toward it. Last evaluated 2025-11-03.

Conditions:
Congenital absence of salivary gland (ALSG). Also called: Aplasia of lacrimal and salivary glands; Salivary glands, absence of. Identifiers: Orphanet 86815, MedGen C0158667, MONDO:0008397, OMIM 180920.
FGF10-related disorder. Also called: FGF10-related condition.
Levy-Hollister syndrome (LADD). Also called: LADD syndrome. Identifiers: Orphanet 2363, MedGen C0265269, MONDO:0007872.

Allele frequency attached by ClinVar (database versions not stated): 1000 Genomes Project 0.00020; 1000 Genomes Project 30x 0.00031; TOPMed 0.00115; ESP Exome Variant Server 0.00138; gnomAD 0.00142 and 0.00152; gnomAD exomes 0.00161; ExAC 0.00199.
gnomAD v4.1: 2,780 of 1,613,888 alleles (0.17%); highest among the groups gnomAD compares: Non-Finnish European, 0.21%; 5 homozygotes.

Submissions (6):

Labcorp Genetics (formerly Invitae), Labcorp
Classification: Likely benign. Last evaluated: 2025-11-03. Review status: criteria provided, single submitter. Criteria: Invitae Variant Classification Sherloc (09022015). Collection method: clinical testing. Allele origin: germline.

Blueprint Genetics
Classification: Likely benign. Last evaluated: 2024-11-19. Review status: criteria provided, single submitter. Criteria: ACMG Guidelines, 2015. Collection method: clinical testing. Allele origin: germline.

Fulgent Genetics
Classification: Likely benign for LADD syndrome 1; Congenital absence of salivary gland. Last evaluated: 2021-07-14. Review status: criteria provided, single submitter. Criteria: ACMG Guidelines, 2015. Collection method: clinical testing. Allele origin: unknown.

Illumina Laboratory Services, Illumina
Classification: Benign for Congenital absence of salivary gland. Last evaluated: 2018-01-12. Review status: criteria provided, single submitter. Criteria: ICSL Variant Classification Criteria 13 December 2019. Collection method: clinical testing. Allele origin: germline.
Comment: This variant was observed in the ICSL laboratory as part of a predisposition screen in an ostensibly healthy population. It had not been previously curated by ICSL or reported in the Human Gene Mutation Database (HGMD: prior to June 1st, 2018), and was therefore a candidate for classification through an automated scoring system. Utilizing variant allele frequency, disease prevalence and penetrance estimates, and inheritance mode, an automated score was calculated to assess if this variant is too frequent to cause the disease. Based on the score and internal cut-off values, a variant classified as benign is not then subjected to further curation. The score for this variant resulted in a classification of benign for this disease.

Eurofins Ntd Llc (ga)
Classification: Likely benign. Last evaluated: 2016-08-18. Review status: criteria provided, single submitter. Criteria: EGL Classification Definitions 2015. Collection method: clinical testing. Allele origin: germline. Observed: 1 variant allele, 1 heterozygote.

PreventionGenetics, part of Exact Sciences
Classification: Likely benign for FGF10-related condition. Last evaluated: 2019-08-16. Review status: no assertion criteria provided. Collection method: clinical testing. Allele origin: germline. Not counted in ClinVar's aggregate classification.
Comment: This variant is classified as likely benign based on ACMG/AMP sequence variant interpretation guidelines (Richards et al. 2015 PMID: 25741868, with internal and published modifications).

NM_004465.2(FGF10):c.620A>C (p.His207Pro)

Gene: FGF10 (fibroblast growth factor 10; minus strand). Cytogenetic location: 5p12.
Variant type: single nucleotide variant.
Coding change: c.620A>C on transcript NM_004465.2 (MANE Select); coding-DNA position 620, A replaced by C.
Protein change: p.His207Pro; replaces histidine 207 with proline.
Molecular consequence: missense variant.
Genome position (GRCh38, 1-based): chr5:44,305,002, T>G on the plus strand (A>C on the coding strand, the complement: FGF10 is on the minus strand). VCF-style: chr5-44305002-T-G. GRCh37 (hg19) VCF-style: chr5-44305104-T-G.
Other names: short protein forms H207P.
Identifiers: ClinVar variation 288912 (VCV000288912.21), dbSNP rs147715509, ClinGen allele CA3258476.
Genomic context (GRCh38, chr5:44,305,002, plus strand): 5'-ATTCTTGGCAAAAGAGCCATTGGTTCTACTGCATCCACAAACGTTGCCTTCCTCTATGAG[T>G]GTACCACCATTGGAAGAAAGTGAGCAGAGGTGTTTTTCCTTCGTGTTTTCTGTCCTCTCC-3'
Protein context (NP_004456.1, residues 197-208): TSAHFLPMVV[His207Pro]S